The following is an entry in ClinVar:

NM_000179.3(MSH6):c.1176_1178delinsGGAA (p.Asp392fs)

Gene: MSH6 (mutS homolog 6; plus strand). Cytogenetic location: 2p16.3.
Variant type: Indel.
Coding change: c.1176_1178delinsGGAA on transcript NM_000179.3 (MANE Select); coding-DNA positions 1176 to 1178, TGC replaced by GGAA.
Protein change: p.Asp392fs; shifts the reading frame from aspartic acid 392.
Molecular consequence: frameshift variant.
Genome position (GRCh38, 1-based): chr2:47,799,159-47,799,161, TGC replaced by GGAA. VCF-style: chr2-47799159-TGC-GGAA. GRCh37 (hg19) VCF-style: chr2-48026298-TGC-GGAA.
Other names: c.786_788delinsGGAA, p.Asp262fs (NM_001281492.2); c.270_272delinsGGAA, p.Asp90fs (NM_001281493.2, NM_001281494.2); c.1176_1178delTGCinsGGAA (NM_000179.2); short protein forms D90fs, D392fs, D262fs.
Identifiers: ClinVar variation 428327 (VCV000428327.8), dbSNP rs1114167718, ClinGen allele CA645369234.

ClinVar aggregate classification (germline): Pathogenic. Review status: criteria provided, multiple submitters, no conflicts (2 of 4 stars). 3 submissions from 3 submitters: Pathogenic (3). Last evaluated 2023-08-11.

Conditions:
Hereditary cancer-predisposing syndrome. Also called: Hereditary Cancer Syndrome; Neoplastic Syndromes, Hereditary; Hereditary neoplastic syndrome; Tumor predisposition. Identifiers: Orphanet 140162, MedGen C0027672, MeSH D009386, MONDO:0015356.
Lynch syndrome 5 (LYNCH5). Also called: Hereditary non-polyposis colorectal cancer, type 5; Colorectal cancer, hereditary nonpolyposis, type 5. Identifiers: Orphanet 144, MedGen C1833477, MONDO:0013710, OMIM 614350. Disease mechanism: loss of function.

Submissions (3):

Myriad Genetics, Inc.
Classification: Pathogenic for Lynch syndrome 5. Last evaluated: 2023-08-11. Review status: criteria provided, single submitter. Criteria: Myriad Autosomal Dominant, Autosomal Recessive and X-Linked Classification Criteria (2023). Collection method: clinical testing. Allele origin: unknown.
Comment: This variant is considered pathogenic. This variant creates a frameshift predicted to result in premature protein truncation.

Color Diagnostics, LLC DBA Color Health
Classification: Pathogenic for Hereditary cancer-predisposing syndrome. Last evaluated: 2023-04-17. Review status: criteria provided, single submitter. Criteria: ACMG Guidelines, 2015. Collection method: clinical testing. Allele origin: germline.
Comment: This variant replaces 3 nucleotides in exon 4 of the MSH6 gene with 4 new nucleotides, creating a frameshift and premature translation stop signal. This variant is expected to result in an absent or non-functional protein product. This variant has not been reported in individuals affected with MSH6-related disorders in the literature. This variant has not been identified in the general population by the Genome Aggregation Database (gnomAD). Loss of MSH6 function is a known mechanism of disease. Based on the available evidence, this variant is classified as Pathogenic.

Ambry Genetics
Classification: Pathogenic for Hereditary cancer-predisposing syndrome. Last evaluated: 2012-01-23. Review status: criteria provided, single submitter. Criteria: Ambry Autosomal Dominant and X-Linked criteria (10/2015). Collection method: clinical testing. Allele origin: germline. Observed: 1 variant allele.
Comment: This alteration is expected to result in loss of function by premature protein truncation or nonsense-mediatedâ€¯mRNAâ€¯decay.â€¯As such, this alteration is interpreted as a disease-causing mutation.